The following is an entry in ClinVar:

ClinVar aggregate classification (germline): Uncertain significance (1 of 4 stars; one submission).

Allele frequency attached by ClinVar (database versions not stated): gnomAD 0.00007; ESP Exome Variant Server 0.00008; gnomAD exomes 0.00010 and 0.00015.
gnomAD v4.1: 163 of 1,609,542 alleles (0.01%); highest among the groups gnomAD compares: Middle Eastern, 0.12%; no homozygotes.

Submission:

Labcorp Genetics (formerly Invitae), Labcorp
Classification: Uncertain significance. Last evaluated: 2022-07-19. Review status: criteria provided, single submitter. Criteria: Invitae Variant Classification Sherloc (09022015). Collection method: clinical testing. Allele origin: germline.
Comment: This sequence change replaces serine, which is neutral and polar, with glycine, which is neutral and non-polar, at codon 105 of the OSTM1 protein (p.Ser105Gly). This variant is present in population databases (rs375602860, gnomAD 0.06%). This variant has not been reported in the literature in individuals affected with OSTM1-related conditions. ClinVar contains an entry for this variant (Variation ID: 1420665). Algorithms developed to predict the effect of missense changes on protein structure and function output the following: SIFT: "Tolerated"; PolyPhen-2: "Benign"; Align-GVGD: "Class C0". The glycine amino acid residue is found in multiple mammalian species, which suggests that this missense change does not adversely affect protein function. In summary, the available evidence is currently insufficient to determine the role of this variant in disease. Therefore, it has been classified as a Variant of Uncertain Significance.

NM_014028.4(OSTM1):c.313A>G (p.Ser105Gly)

Gene: OSTM1 (osteoclastogenesis associated transmembrane protein 1; minus strand). Cytogenetic location: 6q21.
Variant type: single nucleotide variant.
Coding change: c.313A>G on transcript NM_014028.4 (MANE Select); coding-DNA position 313, A replaced by G.
Protein change: p.Ser105Gly; replaces serine 105 with glycine.
Molecular consequence: missense variant.
Genome position (GRCh38, 1-based): chr6:108,074,339, T>C on the plus strand (A>G on the coding strand, the complement: OSTM1 is on the minus strand). VCF-style: chr6-108074339-T-C. GRCh37 (hg19) VCF-style: chr6-108395543-T-C.
Other names: short protein forms S105G.
Identifiers: ClinVar variation 1420665 (VCV001420665.5), dbSNP rs375602860, ClinGen allele CA3948095.